The following is an entry in ClinVar:

ClinVar aggregate classification (germline): Uncertain significance. Review status: criteria provided, multiple submitters, no conflicts (2 of 4 stars). 3 submissions from 3 submitters: Uncertain significance (3). Last evaluated 2025-06-16.

Conditions:
Inborn genetic diseases. Identifiers: MedGen C0950123, MeSH D030342.
Focal segmental glomerulosclerosis 1 (FSGS1). Identifiers: Orphanet 656, MedGen C4551527, MONDO:0011303, OMIM 603278.

Allele frequency attached by ClinVar (database versions not stated): ExAC 0.00001; gnomAD exomes 0.00001; TOPMed 0.00003; gnomAD 0.00004.
gnomAD v4.1: 19 of 1,614,044 alleles (0.0012%); highest among the groups gnomAD compares: African/African-American, 0.0093%; no homozygotes.

Submissions (3):

Ambry Genetics
Classification: Uncertain significance for Inborn genetic diseases. Last evaluated: 2025-06-16. Review status: criteria provided, single submitter. Criteria: Ambry Variant Classification Scheme 2023. Collection method: clinical testing. Allele origin: germline.

Fulgent Genetics
Classification: Uncertain significance for Focal segmental glomerulosclerosis 1. Last evaluated: 2024-05-20. Review status: criteria provided, single submitter. Criteria: ACMG Guidelines, 2015. Collection method: clinical testing. Allele origin: germline.

Labcorp Genetics (formerly Invitae), Labcorp
Classification: Uncertain significance. Last evaluated: 2023-12-11. Review status: criteria provided, single submitter. Criteria: Invitae Variant Classification Sherloc (09022015). Collection method: clinical testing. Allele origin: germline.
Comment: This sequence change replaces arginine, which is basic and polar, with cysteine, which is neutral and slightly polar, at codon 695 of the ACTN4 protein (p.Arg695Cys). This variant is present in population databases (rs769829818, gnomAD 0.01%). This variant has not been reported in the literature in individuals affected with ACTN4-related conditions. Advanced modeling of protein sequence and biophysical properties (such as structural, functional, and spatial information, amino acid conservation, physicochemical variation, residue mobility, and thermodynamic stability) performed at Invitae indicates that this missense variant is not expected to disrupt ACTN4 protein function with a negative predictive value of 80%. In summary, the available evidence is currently insufficient to determine the role of this variant in disease. Therefore, it has been classified as a Variant of Uncertain Significance.

NM_004924.6(ACTN4):c.2083C>T (p.Arg695Cys)

Gene: ACTN4 (actinin alpha 4; plus strand). Cytogenetic location: 19q13.2.
Variant type: single nucleotide variant.
Coding change: c.2083C>T on transcript NM_004924.6 (MANE Select); coding-DNA position 2083, C replaced by T.
Protein change: p.Arg695Cys; replaces arginine 695 with cysteine.
Molecular consequence: missense variant.
Genome position (GRCh38, 1-based): chr19:38,725,796, C>T. VCF-style: chr19-38725796-C-T. GRCh37 (hg19) VCF-style: chr19-39216436-C-T.
Other names: c.2083C>T, p.Arg695Cys (NM_001322033.2, NM_001411143.1); c.2083C>T (NM_004924.4); short protein forms R695C.
Identifiers: ClinVar variation 3015569 (VCV003015569.5), dbSNP rs769829818, ClinGen allele CA9417873.